The following is an entry in ClinVar:

NM_000278.5(PAX2):c.1021+203C>G

Gene: PAX2 (paired box 2; plus strand). Cytogenetic location: 10q24.31.
Variant type: single nucleotide variant.
Coding change: c.1021+203C>G on transcript NM_000278.5 (MANE Select); 203 bases into the intron after coding-DNA position 1021, C replaced by G.
Molecular consequence: intron variant. On other transcripts: missense variant (1).
Genome position (GRCh38, 1-based): chr10:100,824,952, C>G. VCF-style: chr10-100824952-C-G. GRCh37 (hg19) VCF-style: chr10-102584709-C-G.
Other names: c.1021+203C>G (NM_003989.5); c.1072C>G, p.Leu358Val (NM_003988.5); c.1114+203C>G (NM_001304569.2); c.1090+203C>G (NM_003987.5, NM_003990.5); short protein forms L358V.
Identifiers: ClinVar variation 4787780 (VCV004787780.1).

ClinVar aggregate classification (germline): Uncertain significance (1 of 4 stars; one submission).

Conditions:
Focal segmental glomerulosclerosis 7 (FSGS7). Identifiers: Orphanet 656, MedGen C4014925, MONDO:0014451, OMIM 616002.
Renal coloboma syndrome (PAPRS). Also called: PAPILLORENAL SYNDROME; COLOBOMA OF OPTIC NERVE WITH RENAL DISEASE; OPTIC COLOBOMA, VESICOURETERAL REFLUX, AND RENAL ANOMALIES; OPTIC NERVE COLOBOMA WITH RENAL DISEASE; RENAL-COLOBOMA SYNDROME WITH MACULAR ABNORMALITIES; PAPILLORENAL SYNDROME WITH MILD OCULAR ABNORMALITIES. Identifiers: Orphanet 1475, MedGen C1852759, MONDO:0007352, OMIM 120330.

Submission:

Labcorp Genetics (formerly Invitae), Labcorp
Classification: Uncertain significance for Renal coloboma syndrome; Focal segmental glomerulosclerosis 7. Last evaluated: 2025-04-22. Review status: criteria provided, single submitter. Criteria: Invitae Variant Classification Sherloc (09022015). Collection method: clinical testing. Allele origin: germline.
Comment: This sequence change replaces leucine, which is neutral and non-polar, with valine, which is neutral and non-polar, at codon 358 of the PAX2 protein (p.Leu358Val). This variant is not present in population databases (gnomAD no frequency). This variant has not been reported in the literature in individuals affected with PAX2-related conditions. Experimental studies and prediction algorithms are not available or were not evaluated, and the functional significance of this variant is currently unknown. In summary, the available evidence is currently insufficient to determine the role of this variant in disease. Therefore, it has been classified as a Variant of Uncertain Significance.